The following is an entry in ClinVar:

NM_005220.3(DLX3):c.516G>C (p.Gln172His)

Gene: DLX3 (distal-less homeobox 3; minus strand). Cytogenetic location: 17q21.33.
Variant type: single nucleotide variant.
Coding change: c.516G>C on transcript NM_005220.3 (MANE Select); coding-DNA position 516, G replaced by C.
Protein change: p.Gln172His; replaces glutamine 172 with histidine.
Molecular consequence: missense variant.
Genome position (GRCh38, 1-based): chr17:49,993,400, C>G on the plus strand (G>C on the coding strand, the complement: DLX3 is on the minus strand). VCF-style: chr17-49993400-C-G. GRCh37 (hg19) VCF-style: chr17-48070764-C-G.
Other names: short protein forms Q172H.
Identifiers: ClinVar variation 5019855 (VCV005019855.2).

ClinVar aggregate classification (germline): Uncertain significance (1 of 4 stars; one submission).

Conditions:
Hypomaturation-hypoplastic amelogenesis imperfecta with taurodontism. Also called: Amelogenesis imperfecta, type IV. Identifiers: Orphanet 100034, Orphanet 88661, MedGen C1863012, MONDO:0007093, OMIM 104510. Disease mechanism: loss of function.
Tricho-dento-osseous syndrome (TDO). Also called: TDO SYNDROME. Identifiers: Orphanet 3352, MedGen C0265333, MONDO:0008592, OMIM 190320.

Submission:

Juno Genomics, Hangzhou Juno Genomics, Inc
Classification: Uncertain significance for Hypomaturation-hypoplastic amelogenesis imperfecta with taurodontism; Tricho-dento-osseous syndrome. Review status: criteria provided, single submitter. Criteria: ACMG Guidelines, 2015. Collection method: clinical testing. Allele origin: germline.
Comment: Absent from controls (or at extremely low frequency if recessive) in Genome Aggregation Database.;Multiple lines of computational evidence support a deleterious effect on the gene or gene product.